The following is an entry in ClinVar:

ClinVar aggregate classification (germline): Likely pathogenic (1 of 4 stars; one submission).

Conditions:
Hereditary breast ovarian cancer syndrome. Also called: BRCA1- and BRCA2-Associated Hereditary Breast and Ovarian Cancer; Hereditary breast and ovarian cancer syndrome; Hereditary breast and ovarian cancer; Hereditary breast and ovarian cancer syndrome (HBOC); Breast and ovarian cancer; Hereditary breast and/or ovarian cancer syndrome. Identifiers: Orphanet 145, MedGen C0677776, MeSH D061325, MONDO:0003582. Disease mechanism: loss of function.

Submission:

German Consortium for Hereditary Breast and Ovarian Cancer, University Hospital Cologne
Classification: Likely pathogenic for Hereditary breast ovarian cancer syndrome. Last evaluated: 2026-09-22. Review status: criteria provided, single submitter. Criteria: ClinGen MSH6 V2.0.0. Collection method: curation. Allele origin: germline.
Comment: This classification follows the ClinGen InSiGHT ACMG MSH6 v2.0.0 classification scheme; We chose these criteria: PS1 (pathogenic Strong:): NM_000179.3(MSH6):c.4002-31_4002-8inv AL 0.93 InSigHT pathogenic 2013 (Intron 8/9 retention & intron 9 retention causing frameshift, complete inactivation of variant allele ; homozygote CMMR-D identified by RT-PCR of patient RNA), PM2 (supporting pathogenic): absent from gnomAD v.4.1, PP3 (supporting pathogenic): SpliceAI AL 0.92 + AG 0.24

NM_000179.3(MSH6):c.4002-11_4002-10insAATTTTAAGT

Gene: MSH6 (mutS homolog 6; plus strand). Cytogenetic location: 2p16.3.
Variant type: Insertion.
Coding change: c.4002-11_4002-10insAATTTTAAGT on transcript NM_000179.3 (MANE Select); 11 bases into the intron before coding-DNA position 4002 through 10 bases into the intron before coding-DNA position 4002, AATTTTAAGT inserted.
Molecular consequence: intron variant.
Genome position: GRCh38 VCF-style: chr2-47806767-T-TTAATTTTAAG. GRCh37 (hg19) VCF-style: chr2-48033906-T-TTAATTTTAAG.
Other names: c.4002-11_4002-10insAATTTTAAGT (NM_001406809.1, NM_001406796.1); c.3096-11_3096-10insAATTTTAAGT (NM_001406811.1, NM_001406814.1, NM_001281493.2 and 6 more transcripts); c.3705-11_3705-10insAATTTTAAGT (NM_001406805.1, NM_001406797.1, NM_001406818.1 and 8 more transcripts); c.4098-11_4098-10insAATTTTAAGT (NM_001406795.1); c.3898-11_3898-10insAATTTTAAGT (NM_001406802.1); c.4008-11_4008-10insAATTTTAAGT (NM_001406813.1); c.3477-11_3477-10insAATTTTAAGT (NM_001406807.1, NM_001406799.1, NM_001406806.1); c.4002-16_4002-15insAATTTTAAGT (NM_001406808.1); and 11 more.
Identifiers: ClinVar variation 4974998 (VCV004974998.1).
Genomic context (GRCh38, chr2:47,806,767, plus strand): 5'-CAGTAAAAGGGGAAGGGATGATGCACTATGAAAAAACAAAAAAACTTTTTTTTTTTTTTT[T>TTAATTTTAAG]TTAATTTTAAGGGAAGTTTGCCTGGCTAGTGAAAGGTCAACTGTAGATGCTGAAGCTGTC-3'